The following is an entry in ClinVar:

ClinVar aggregate classification (germline): Uncertain significance (1 of 4 stars; one submission).

Submission:

Labcorp Genetics (formerly Invitae), Labcorp
Classification: Uncertain significance. Last evaluated: 2022-02-10. Review status: criteria provided, single submitter. Criteria: Invitae Variant Classification Sherloc (09022015). Collection method: clinical testing. Allele origin: germline.
Comment: Experimental studies and prediction algorithms are not available or were not evaluated, and the functional significance of this variant is currently unknown. This sequence change replaces valine, which is neutral and non-polar, with leucine, which is neutral and non-polar, at codon 87 of the KIZ protein (p.Val87Leu). This variant is not present in population databases (gnomAD no frequency). This variant has not been reported in the literature in individuals affected with KIZ-related conditions. In summary, the available evidence is currently insufficient to determine the role of this variant in disease. Therefore, it has been classified as a Variant of Uncertain Significance.

NM_018474.6(KIZ):c.259G>C (p.Val87Leu)

Genes: KIZ (kizuna centrosomal protein; plus strand), LOC130065509 (ATAC-STARR-seq lymphoblastoid active region 17619; plus strand). Cytogenetic location: 20p11.23.
Variant type: single nucleotide variant.
Coding change: c.259G>C on transcript NM_018474.6 (MANE Select); coding-DNA position 259, G replaced by C.
Protein change: p.Val87Leu; replaces valine 87 with leucine.
Molecular consequence: missense variant. On other transcripts: 5 prime UTR variant (1), intron variant (4).
Genome position (GRCh38, 1-based): chr20:21,136,496, G>C. VCF-style: chr20-21136496-G-C. GRCh37 (hg19) VCF-style: chr20-21117137-G-C.
Other names: c.259G>C, p.Val87Leu (NM_001352434.2); c.-128G>C (NM_001352436.2); c.169-9069G>C (NM_001276389.2); c.6+4337G>C (NM_001163022.3, NM_001352435.2, NM_001163023.3); short protein forms V87L.
Identifiers: ClinVar variation 2095907 (VCV002095907.4), dbSNP rs2519624970, ClinGen allele CA408488558.